The following is an entry in ClinVar:

NM_020975.6(RET):c.351C>T (p.Pro117=)

Gene: RET (ret proto-oncogene; plus strand). Cytogenetic location: 10q11.21.
Variant type: single nucleotide variant.
Coding change: c.351C>T on transcript NM_020975.6 (MANE Select); coding-DNA position 351, C replaced by T.
Protein change: p.Pro117=; no amino-acid change (proline 117 retained).
Molecular consequence: synonymous variant. On other transcripts: intron variant (22).
Genome position (GRCh38, 1-based): chr10:43,102,355, C>T. VCF-style: chr10-43102355-C-T. GRCh37 (hg19) VCF-style: chr10-43597803-C-T.
Other names: c.351C>T, p.Pro117= (NM_000323.2, NM_001406743.1, NM_001406744.1 and 16 more transcripts); c.338-116C>T (NM_001406764.1, NM_001406762.1, NM_001406761.1 and 4 more transcripts); c.337+1633C>T (NM_001406770.1, NM_001406766.1, NM_001406767.1 and 8 more transcripts); c.74-6676C>T (NM_001406784.1); c.74-9744C>T (NM_001406794.1, NM_001406792.1, NM_001406793.1).
Identifiers: ClinVar variation 77949 (VCV000077949.20), dbSNP rs267602487, ClinGen allele CA16609692.
Genomic context (GRCh38, chr10:43,102,355, plus strand): 5'-CTGGCAGATGTGGCCGATGCCCCCACAGACCTGACTTCTCTCTGCAGACCGCGGCTTTCC[C>T]CTGCTCACCGTCTACCTCAAGGTCTTCCTGTCACCCACATCCCTTCGTGAGGGCGAGTGC-3'
Protein context (NP_066124.1, residues 107-127): EKLSVRNRGF[Pro117=]LLTVYLKVFL

ClinVar aggregate classification (germline): Likely benign. Review status: criteria provided, multiple submitters, no conflicts (2 of 4 stars). 4 submissions from 4 submitters: Likely benign (3). 1 of the submissions does not count toward it. Last evaluated 2025-12-08.

Conditions:
RET-related disorder. Also called: RET-related condition; RET-related disease; RET-related disorders.
Hereditary cancer-predisposing syndrome. Also called: Tumor predisposition; Hereditary Cancer Syndrome; Hereditary neoplastic syndrome; Neoplastic Syndromes, Hereditary. Identifiers: Orphanet 140162, MedGen C0027672, MeSH D009386, MONDO:0015356.
Multiple endocrine neoplasia, type 2 (MEN2). Identifiers: Orphanet 653, MedGen C4048306, MONDO:0019003. Disease mechanism: gain of function.

Allele frequency attached by ClinVar (database versions not stated): gnomAD exomes below 0.00001; TOPMed 0.00001.
gnomAD v4.1: 3 of 1,614,190 alleles (0.00019%); highest among the groups gnomAD compares: Admixed American, 0.0033%; no homozygotes.

Submissions (4):

Labcorp Genetics (formerly Invitae), Labcorp
Classification: Likely benign for Multiple endocrine neoplasia, type 2. Last evaluated: 2025-12-08. Review status: criteria provided, single submitter. Criteria: Invitae Variant Classification Sherloc (09022015). Collection method: clinical testing. Allele origin: germline.

All of Us Research Program, National Institutes of Health
Classification: Likely benign for Multiple endocrine neoplasia, type 2. Last evaluated: 2023-08-28. Review status: criteria provided, single submitter. Criteria: ACMG Guidelines, 2015. Collection method: clinical testing. Allele origin: germline. Inheritance: Autosomal dominant inheritance. Observed: 1 variant allele, 1 heterozygote.
Comment: This study involves interpretation of variants in research participants for the purpose of population health screening. Participant phenotype was not available at the time of variant classification. Additional details can be found in publication PMID: 35346344, PMCID: PMC8962531

Ambry Genetics
Classification: Likely benign for Hereditary cancer-predisposing syndrome. Last evaluated: 2018-12-27. Review status: criteria provided, single submitter. Criteria: Ambry Variant Classification Scheme 2023. Collection method: clinical testing. Allele origin: germline.

PreventionGenetics, part of Exact Sciences
Classification: Likely benign for RET-related condition. Last evaluated: 2023-05-08. Review status: no assertion criteria provided. Collection method: clinical testing. Allele origin: germline. Not counted in ClinVar's aggregate classification.
Comment: This variant is classified as likely benign based on ACMG/AMP sequence variant interpretation guidelines (Richards et al. 2015 PMID: 25741868, with internal and published modifications).